The following is an entry in ClinVar:

ClinVar aggregate classification (germline): Pathogenic (1 of 4 stars; one submission).

Conditions:
Inborn genetic diseases. Identifiers: MedGen C0950123, MeSH D030342.

Submission:

Ambry Genetics
Classification: Pathogenic for Inborn genetic diseases. Last evaluated: 2024-05-17. Review status: criteria provided, single submitter. Criteria: Ambry Variant Classification Scheme 2023. Collection method: clinical testing. Allele origin: germline.
Comment: The c.2169G>A (p.W723*) alteration, located in exon 14 (coding exon 13) of the SCN8A gene, consists of a G to A substitution at nucleotide position 2169. This changes the amino acid from a tryptophan (W) to a stop codon at amino acid position 723. This alteration is expected to result in loss of function by premature protein truncation or nonsense-mediated mRNA decay. for SCN8A-related neurodevelopmental disorder; however, its clinical significance for SCN8A-related seizure disorder is uncertain because loss-of-function is not the mechanism of disease. This variant was not reported in population-based cohorts in the Genome Aggregation Database (gnomAD). Based on the available evidence, this alteration is classified as pathogenic.

NM_001330260.2(SCN8A):c.2169G>A (p.Trp723Ter)

Gene: SCN8A (sodium voltage-gated channel alpha subunit 8; plus strand). Cytogenetic location: 12q13.13.
Variant type: single nucleotide variant.
Coding change: c.2169G>A on transcript NM_001330260.2 (MANE Select); coding-DNA position 2169, G replaced by A.
Protein change: p.Trp723Ter; replaces tryptophan 723 with a stop codon.
Molecular consequence: nonsense.
Genome position (GRCh38, 1-based): chr12:51,751,392, G>A. VCF-style: chr12-51751392-G-A. GRCh37 (hg19) VCF-style: chr12-52145176-G-A.
Other names: c.2169G>A, p.Trp723Ter (NM_001177984.3, NM_001369788.1, NM_014191.4); short protein forms W723*.
Identifiers: ClinVar variation 1787036 (VCV001787036.3), dbSNP rs1555224371, ClinGen allele CA384879764.
Genomic context (GRCh38, chr12:51,751,392, plus strand): 5'-ATCTTTGTTCTTACTTACTGTAGAACTGGAAGAGTCTCAGAGAAAGTGCCCGCCATGCTG[G>A]TATAAATTTGCCAACACTTTCCTCATCTGGGAGTGCCACCCCTACTGGATAAAACTGAAA-3'